The following is an entry in ClinVar:

ClinVar aggregate classification (germline): Uncertain significance (1 of 4 stars; one submission).

Conditions:
Glycogen storage disease due to muscle and heart glycogen synthase deficiency. Also called: GSD 0b; MUSCLE GLYCOGEN SYNTHASE DEFICIENCY. Identifiers: Orphanet 137625, MedGen C1969054, MONDO:0012693, OMIM 611556.

Allele frequency attached by ClinVar (database versions not stated): gnomAD exomes below 0.00001; TOPMed below 0.00001.

Submission:

Labcorp Genetics (formerly Invitae), Labcorp
Classification: Uncertain significance for Glycogen storage disease due to muscle and heart glycogen synthase deficiency. Last evaluated: 2022-02-04. Review status: criteria provided, single submitter. Criteria: Invitae Variant Classification Sherloc (09022015). Collection method: clinical testing. Allele origin: germline.
Comment: This sequence change replaces aspartic acid, which is acidic and polar, with glycine, which is neutral and non-polar, at codon 662 of the GYS1 protein (p.Asp662Gly). This variant is not present in population databases (gnomAD no frequency). This variant has not been reported in the literature in individuals affected with GYS1-related conditions. ClinVar contains an entry for this variant (Variation ID: 934446). Algorithms developed to predict the effect of missense changes on protein structure and function (SIFT, PolyPhen-2, Align-GVGD) all suggest that this variant is likely to be tolerated. In summary, the available evidence is currently insufficient to determine the role of this variant in disease. Therefore, it has been classified as a Variant of Uncertain Significance.

NM_002103.5(GYS1):c.1985A>G (p.Asp662Gly)

Gene: GYS1 (glycogen synthase 1; minus strand). Cytogenetic location: 19q13.33.
Variant type: single nucleotide variant.
Coding change: c.1985A>G on transcript NM_002103.5 (MANE Select); coding-DNA position 1985, A replaced by G.
Protein change: p.Asp662Gly; replaces aspartic acid 662 with glycine.
Molecular consequence: missense variant. On other transcripts: non-coding transcript variant (1).
Genome position (GRCh38, 1-based): chr19:48,969,517, T>C on the plus strand (A>G on the coding strand, the complement: GYS1 is on the minus strand). VCF-style: chr19-48969517-T-C. GRCh37 (hg19) VCF-style: chr19-49472774-T-C.
Other names: c.1793A>G, p.Asp598Gly (NM_001161587.2); short protein forms D662G, D598G.
Identifiers: ClinVar variation 934446 (VCV000934446.9), dbSNP rs2038519963, ClinGen allele CA406759458.